The following is an entry in ClinVar:

NM_001256789.3(CACNA1F):c.5541C>T (p.Gly1847=)

Gene: CACNA1F (calcium voltage-gated channel subunit alpha1 F; minus strand). Cytogenetic location: Xp11.23.
Variant type: single nucleotide variant.
Coding change: c.5541C>T on transcript NM_001256789.3 (MANE Select); coding-DNA position 5541, C replaced by T.
Protein change: p.Gly1847=; no amino-acid change (glycine 1847 retained).
Molecular consequence: synonymous variant.
Genome position (GRCh38, 1-based): chrX:49,205,745, G>A on the plus strand (C>T on the coding strand, the complement: CACNA1F is on the minus strand). VCF-style: chrX-49205745-G-A. GRCh37 (hg19) VCF-style: chrX-49062205-G-A.
Other names: c.5379C>T, p.Gly1793= (NM_001256790.3); c.5574C>T, p.Gly1858= (NM_005183.4).
Identifiers: ClinVar variation 1166283 (VCV001166283.11), dbSNP rs782486989, ClinGen allele CA10409955.

ClinVar aggregate classification (germline): Benign/Likely benign. Review status: criteria provided, multiple submitters, no conflicts (2 of 4 stars). 3 submissions from 3 submitters: Benign (1); Likely benign (2). Last evaluated 2026-07-01.

Allele frequency attached by ClinVar (database versions not stated): gnomAD 0.00002 and 0.00005; TOPMed 0.00003; gnomAD exomes 0.00006 and 0.00011; ExAC 0.00019; 1000 Genomes Project 0.00053; 1000 Genomes Project 30x 0.00062.
gnomAD v4.1: 75 of 1,202,381 alleles (0.0062%); highest among the groups gnomAD compares: South Asian, 0.11%; no homozygotes.

Submissions (3):

CeGaT Center for Human Genetics Tuebingen
Classification: Likely benign. Last evaluated: 2026-07-01. Review status: criteria provided, single submitter. Criteria: CeGaT Center For Human Genetics Tuebingen Variant Classification Criteria Version 2. Collection method: clinical testing. Allele origin: germline. Affected: yes. Observed: 1 variant allele.
Comment: CACNA1F: BP4, BP7, BS2

Blueprint Genetics
Classification: Likely benign. Last evaluated: 2024-07-08. Review status: criteria provided, single submitter. Criteria: ACMG Guidelines, 2015. Collection method: clinical testing. Allele origin: germline.

Labcorp Genetics (formerly Invitae), Labcorp
Classification: Benign. Last evaluated: 2024-06-21. Review status: criteria provided, single submitter. Criteria: Invitae Variant Classification Sherloc (09022015). Collection method: clinical testing. Allele origin: germline.